The following is an entry in ClinVar:

ClinVar aggregate classification (germline): Likely benign. Review status: criteria provided, single submitter (1 of 4 stars). 2 submissions from 2 submitters: Likely benign (1). 1 of the submissions does not count toward it. Last evaluated 2025-01-12.

Conditions:
TUB-related disorder. Also called: TUB-related condition.

Allele frequency attached by ClinVar (database versions not stated): gnomAD 0.00001; TOPMed 0.00005; gnomAD exomes below 0.00001.
gnomAD v4.1: 18 of 1,614,088 alleles (0.0011%); highest among the groups gnomAD compares: African/African-American, 0.0027%; no homozygotes.

Submissions (2):

Labcorp Genetics (formerly Invitae), Labcorp
Classification: Likely benign. Last evaluated: 2025-01-12. Review status: criteria provided, single submitter. Criteria: Invitae Variant Classification Sherloc (09022015). Collection method: clinical testing. Allele origin: germline.

PreventionGenetics, part of Exact Sciences
Classification: Likely benign for TUB-related condition. Last evaluated: 2023-02-22. Review status: no assertion criteria provided. Collection method: clinical testing. Allele origin: germline. Not counted in ClinVar's aggregate classification.
Comment: This variant is classified as likely benign based on ACMG/AMP sequence variant interpretation guidelines (Richards et al. 2015 PMID: 25741868, with internal and published modifications).

NM_177972.3(TUB):c.825G>C (p.Gly275=)

Genes: RIC3 (RIC3 acetylcholine receptor chaperone; minus strand), TUB (TUB bipartite transcription factor; plus strand). Cytogenetic location: 11p15.4.
Variant type: single nucleotide variant.
Coding change: c.825G>C on transcript NM_177972.3 (MANE Select); coding-DNA position 825, G replaced by C.
Protein change: p.Gly275=; no amino-acid change (glycine 275 retained).
Molecular consequence: synonymous variant.
Genome position (GRCh38, 1-based): chr11:8,097,365, G>C. VCF-style: chr11-8097365-G-C. GRCh37 (hg19) VCF-style: chr11-8118912-G-C.
Other names: c.990G>C, p.Gly330= (NM_003320.5); c.990G>C (NM_003320.4).
Identifiers: ClinVar variation 1547486 (VCV001547486.9), dbSNP rs1415983881, ClinGen allele CA473009546.